The following is an entry in ClinVar:

ClinVar aggregate classification (germline): Conflicting classifications of pathogenicity. Review status: criteria provided, conflicting classifications (1 of 4 stars). 7 submissions from 7 submitters: Pathogenic (1); Likely pathogenic (4); Uncertain significance (2). Last evaluated 2026-08-21.

Conditions:
TELO2-related disorder. Also called: TELO2-related condition.
TELO2-related intellectual disability-neurodevelopmental disorder. Also called: You-Hoover-Fong syndrome. Identifiers: Orphanet 488642, MedGen C4310778, MONDO:0014848, OMIM 616954.
Inborn genetic diseases. Identifiers: MedGen C0950123, MeSH D030342.

Allele frequency attached by ClinVar (database versions not stated): ExAC 0.00002; gnomAD 0.00003 and 0.00004; gnomAD exomes 0.00005 and 0.00011; TOPMed 0.00006; ESP Exome Variant Server 0.00015.
gnomAD v4.1: 162 of 1,610,782 alleles (0.01%); highest among the groups gnomAD compares: Non-Finnish European, 0.013%; no homozygotes.

Submissions (7):

PreventionGenetics, part of Exact Sciences
Classification: Likely pathogenic for TELO2-related condition. Last evaluated: 2026-08-21. Review status: criteria provided, single submitter. Criteria: ACMG Guidelines, 2015. Collection method: clinical testing. Allele origin: germline.
Comment: The TELO2 c.1772T>G variant is predicted to result in the amino acid substitution p.Val591Gly. This variant has been reported in the compound heterozygous state in individuals with You-Hoover-Fong syndrome (Table S1, Wright et al. 2021. PubMed ID: 33149276; Albokhari et al. 2023. PubMed ID: 36797513). In one of the families, this variant segregated in an affected family member (Albokhari et al. 2023. PubMed ID: 36797513). This variant is reported in 0.010% of alleles in individuals of European (Non-Finnish) descent in gnomAD. This variant is interpreted as likely pathogenic.

Women's Health and Genetics/Laboratory Corporation of America, LabCorp
Classification: Likely pathogenic for TELO2-related intellectual disability-neurodevelopmental disorder. Last evaluated: 2026-02-17. Review status: criteria provided, single submitter. Criteria: LabCorp Variant Classification Summary - May 2015. Collection method: clinical testing. Allele origin: germline.
Comment: Variant summary: TELO2 c.1772T>G (p.Val591Gly) results in a non-conservative amino acid change in the encoded protein sequence. Algorithms developed to predict the effect of missense changes on protein structure and function are either unavailable or do not agree on the potential impact of this missense change. Consensus agreement among computation tools predict no significant impact on normal splicing. However, these predictions have yet to be confirmed by functional studies. The variant allele was found at a frequency of 4.8e-05 in 249438 control chromosomes (gnomAD). This frequency is not significantly higher than estimated for disease-causing variants in TELO2, allowing no conclusion about variant significance. c.1772T>G has been observed in individuals affected with TELO2-Related Intellectual Disability-Neurodevelopmental Disorder/You-Hoover-Fong syndrome (e.g. Wright_2021, Albokhari_2023). These data indicate that the variant is likely to be associated with disease. To our knowledge, no experimental evidence demonstrating an impact on protein function has been reported. The following publications have been ascertained in the context of this evaluation (PMID: 33149276, 36797513). ClinVar contains an entry for this variant (Variation ID: 430950). Based on the evidence outlined above, the variant was classified as likely pathogenic.

Labcorp Genetics (formerly Invitae), Labcorp
Classification: Pathogenic. Last evaluated: 2025-08-29. Review status: criteria provided, single submitter. Criteria: Invitae Variant Classification Sherloc (09022015). Collection method: clinical testing. Allele origin: germline.
Comment: This sequence change replaces valine, which is neutral and non-polar, with glycine, which is neutral and non-polar, at codon 591 of the TELO2 protein (p.Val591Gly). This variant is present in population databases (rs142217951, gnomAD 0.009%). This missense change has been observed in individuals with You-Hoover-Fong syndrome (PMID: 33149276, 36797513). It has also been observed to segregate with disease in related individuals. ClinVar contains an entry for this variant (Variation ID: 430950). Invitae Evidence Modeling of protein sequence and biophysical properties (such as structural, functional, and spatial information, amino acid conservation, physicochemical variation, residue mobility, and thermodynamic stability) indicates that this missense variant is expected to disrupt TELO2 protein function with a positive predictive value of 95%. For these reasons, this variant has been classified as Pathogenic.

Victorian Clinical Genetics Services, Murdoch Childrens Research Institute
Classification: Likely pathogenic for TELO2-related intellectual disability-neurodevelopmental disorder. Last evaluated: 2024-10-20. Review status: criteria provided, single submitter. Criteria: ACMG Guidelines, 2015. Collection method: clinical testing. Allele origin: germline. Affected: yes.
Comment: This variant is classified as Likely pathogenic. Evidence in support of pathogenic classification: Variant is present in gnomAD <0.01 for a recessive condition (v4: 162 heterozygote(s), 0 homozygote(s)); This variant has limited previous evidence of pathogenicity in unrelated individuals. This variant has been classified as a VUS by clinical laboratories in ClinVar, once as likely pathogenic in a compound heterozygous individual with TELO2-related features (DECIPHER) and reported in the literature in two unrelated assumed compound heterozygous families with You-Hoover-Fong syndrome (PMID: 36797513); Missense variant consistently predicted to be damaging by in silico tool or highly conserved with a major amino acid change; Heterozygous variant detected in trans with a PATHOGENIC heterozygous variant, NM_016111.4(TELO2):c.392G>A; p.(Gly131Asp), in a recessive disease. Additional information: Variant is predicted to result in a missense amino acid change from valine to glycine; This variant is heterozygous; This gene is associated with autosomal recessive disease; An alternative amino acid change at the same position has been observed in gnomAD (v4: 11 heterozygote(s), 0 homozygote(s)); No published functional evidence has been identified for this variant; No comparable missense variants have previous evidence for pathogenicity; Variant is located in the annotated telomere length regulation domain (DECIPHER); Loss of function is a known mechanism of disease in this gene and is associated with You-Hoover-Fong syndrome (MIM#616954).

Ambry Genetics
Classification: Uncertain significance for Inborn genetic diseases. Last evaluated: 2022-03-29. Review status: criteria provided, single submitter. Criteria: Ambry Variant Classification Scheme 2023. Collection method: clinical testing. Allele origin: germline.

GeneDx
Classification: Uncertain significance. Last evaluated: 2021-04-30. Review status: criteria provided, single submitter. Criteria: GeneDx Variant Classification Process June 2021. Collection method: clinical testing. Allele origin: germline. Affected: yes.
Comment: In silico analysis supports that this missense variant has a deleterious effect on protein structure/function; Has not been previously published as pathogenic or benign to our knowledge

HudsonAlpha Institute for Biotechnology
Classification: Likely pathogenic for TELO2-related intellectual disability-neurodevelopmental disorder. Last evaluated: 2017-06-08. Review status: criteria provided, single submitter. Criteria: HA_assertions_20150911. Collection method: research. Allele origin: maternal. Affected: yes. Observed: 1 variant allele. Study: CSER-HudsonAlpha.

Literature cited by the submitters: PubMed 36797513 (cited by 3 submitters); PubMed 33149276 (cited by Women's Health and Genetics/Laboratory Corporation of America, LabCorp and Labcorp Genetics (formerly Invitae), Labcorp).

NM_016111.4(TELO2):c.1772T>G (p.Val591Gly)

Gene: TELO2 (telomere maintenance 2; plus strand). Cytogenetic location: 16p13.3.
Variant type: single nucleotide variant.
Coding change: c.1772T>G on transcript NM_016111.4 (MANE Select); coding-DNA position 1772, T replaced by G.
Protein change: p.Val591Gly; replaces valine 591 with glycine.
Molecular consequence: missense variant.
Genome position (GRCh38, 1-based): chr16:1,502,932, T>G. VCF-style: chr16-1502932-T-G. GRCh37 (hg19) VCF-style: chr16-1552933-T-G.
Other names: c.1772T>G, p.Val591Gly (NM_001351846.2); short protein forms V591G.
Identifiers: ClinVar variation 430950 (VCV000430950.10), dbSNP rs142217951, ClinGen allele CA7812330.